The following is an entry in ClinVar:

NM_000160.5(GCGR):c.1077C>T (p.Gly359=)

Gene: GCGR (glucagon receptor; plus strand). Cytogenetic location: 17q25.3.
Variant type: single nucleotide variant.
Coding change: c.1077C>T on transcript NM_000160.5 (MANE Select); coding-DNA position 1077, C replaced by T.
Protein change: p.Gly359=; no amino-acid change (glycine 359 retained).
Molecular consequence: synonymous variant.
Genome position (GRCh38, 1-based): chr17:81,812,846, C>T. VCF-style: chr17-81812846-C-T. GRCh37 (hg19) VCF-style: chr17-79770722-C-T.
Identifiers: ClinVar variation 1901649 (VCV001901649.5), dbSNP rs956128269, ClinGen allele CA295101671.
Genomic context (GRCh38, chr17:81,812,846, plus strand): 5'-ACTCAGGCGCTGCCTCTGCAGGCTGGCCAAGTCCACGCTGACCCTCATCCCTCTGCTGGG[C>T]GTCCACGAAGTGGTCTTCGCCTTCGTGACGGACGAGCACGCCCAGGGCACCCTGCGCTCC-3'
Protein context (NP_000151.1, residues 349-369): KSTLTLIPLL[Gly359=]VHEVVFAFVT

ClinVar aggregate classification (germline): Uncertain significance (1 of 4 stars; one submission).

Allele frequency attached by ClinVar (database versions not stated): gnomAD exomes 0.00002; TOPMed 0.00003; gnomAD 0.00004.
gnomAD v4.1: 35 of 1,535,834 alleles (0.0023%); highest among the groups gnomAD compares: Middle Eastern, 0.033%; no homozygotes.

Submission:

Labcorp Genetics (formerly Invitae), Labcorp
Classification: Uncertain significance. Last evaluated: 2022-05-12. Review status: criteria provided, single submitter. Criteria: Invitae Variant Classification Sherloc (09022015). Collection method: clinical testing. Allele origin: germline.
Comment: This sequence change affects codon 359 of the GCGR mRNA. It is a 'silent' change, meaning that it does not change the encoded amino acid sequence of the GCGR protein. This variant is present in population databases (no rsID available, gnomAD 0.01%). This variant has not been reported in the literature in individuals affected with GCGR-related conditions. Algorithms developed to predict the effect of sequence changes on RNA splicing suggest that this variant may create or strengthen a splice site. In summary, the available evidence is currently insufficient to determine the role of this variant in disease. Therefore, it has been classified as a Variant of Uncertain Significance.